The following is an entry in ClinVar:

ClinVar aggregate classification (germline): Uncertain significance (1 of 4 stars; one submission).

Submission:

GeneDx
Classification: Uncertain significance. Last evaluated: 2025-06-12. Review status: criteria provided, single submitter. Criteria: GeneDx Variant Classification Process June 2021. Collection method: clinical testing. Allele origin: germline. Affected: yes.
Comment: Not observed at significant frequency in large population cohorts (gnomAD); In silico analysis supports that this missense variant has a deleterious effect on protein structure/function; Not located in the triple helical region, where the majority of pathogenic missense variants occur (HGMD); Has not been previously published as pathogenic or benign to our knowledge

NM_000089.4(COL1A2):c.3581A>G (p.Tyr1194Cys)

Gene: COL1A2 (collagen type I alpha 2 chain; plus strand). Cytogenetic location: 7q21.3.
Variant type: single nucleotide variant.
Coding change: c.3581A>G on transcript NM_000089.4 (MANE Select); coding-DNA position 3581, A replaced by G.
Protein change: p.Tyr1194Cys; replaces tyrosine 1194 with cysteine.
Molecular consequence: missense variant.
Genome position (GRCh38, 1-based): chr7:94,428,347, A>G. VCF-style: chr7-94428347-A-G. GRCh37 (hg19) VCF-style: chr7-94057659-A-G.
Other names: short protein forms Y1194C.
Identifiers: ClinVar variation 4537754 (VCV004537754.1).